The following continues an entry in ClinVar:

NM_007194.4(CHEK2):c.480AGA[1] (p.Glu161del)

Gene: CHEK2. ClinVar aggregate classification (germline): Conflicting classifications of pathogenicity. Pathogenic (2); Likely pathogenic (19); Uncertain significance (2).

Submissions 7 to 25 of 25:

Color Diagnostics, LLC DBA Color Health
Classification: Likely pathogenic for Hereditary cancer-predisposing syndrome. Last evaluated: 2025-10-28. Review status: criteria provided, single submitter. Criteria: ACMG Guidelines, 2015. Collection method: clinical testing. Allele origin: germline.
Comment: This variant deletes 1 amino acid from the FHA domain of the CHEK2 protein. Functional studies have shown that this variant reduces CHEK2 stability, DNA damage-induced phosphorylation, and kinase activity in vitro (PMID: 16982735, 22114986, 36468172). The reduction in activity was comparable to known pathogenic CHEK2 variants used in the studies. This variant has been observed in individuals affected with breast cancer, with breast cancer reported in first-degree relatives (PMID: 26845104, 30633282communications with external laboratories: ClinVar SCV000255306, SCV000185293). It has been shown that this variant segregates with disease in multiple families (communication with external laboratory: ClinVar SCV000255306) although segregation was inconclusive in another report (PMID: 26898890). This variant has also been reported in individuals affected with breast and/or ovarian cancer (PMID: 12442270, 26681312, 32923877, 34299313), prostate cancer (PMID: 29520813) and pancreatic cancer (PMID: 29922827). This variant has been identified in 5/282820 chromosomes in the general population by the Genome Aggregation Database (gnomAD). Based on the available evidence, this variant is classified as Likely Pathogenic.

Myriad Genetics, Inc.
Classification: Pathogenic for Familial cancer of breast. Last evaluated: 2025-08-13. Review status: criteria provided, single submitter. Criteria: Myriad Autosomal Dominant, Autosomal Recessive and X-Linked Classification Criteria (2023). Collection method: clinical testing. Allele origin: unknown.
Comment: This variant is considered pathogenic. Functional studies indicate this variant impacts protein function [PMID: 16982735]. This variant is expected to disrupt protein structure [Myriad internal data]. This variant is strongly associated with more severe personal and family histories of cancer, typical for individuals with pathogenic variants in this gene [PMID: 25085752].

Institute of Immunology and Genetics Kaiserslautern
Classification: Likely pathogenic for Breast-ovarian cancer, familial, susceptibility to, 1. Last evaluated: 2025-07-31. Review status: criteria provided, single submitter. Criteria: ACMG Guidelines, 2015. Collection method: clinical testing. Allele origin: germline. Affected: yes.
Comment: ACMG Criteria: PS3, PS4_M, PM2_P, PM4, PP3.

Quest Diagnostics Nichols Institute San Juan Capistrano
Classification: Likely pathogenic. Last evaluated: 2025-05-18. Review status: criteria provided, single submitter. Criteria: Quest Diagnostics criteria. Collection method: clinical testing. Allele origin: unknown.
Comment: The CHEK2 c.483_485del (p.Glu161del) variant has been reported in the published literature in individuals with breast and/or ovarian cancer (PMID: 12442270 (2002), 26681312 (2015), 26845104 (2016), 30322717 (2018), 30633282 (2019), 31341520 (2019), 32923877 (2020), 34326862 (2021)), prostate cancer (PMID: 29520813 (2018)), and pancreatic cancer (PMID: 29922827 (2018)). Functional studies demonstrated that this variant is damaging to protein function (PMID: 16982735 (2006), 22114986 (2011), 36468172 (2023)). The frequency of this variant in the general population (Genome Aggregation Database) is uninformative in the assessment of its pathogenicity. Based on the available information, this variant is classified as likely pathogenic.

GeneDx
Classification: Likely pathogenic. Last evaluated: 2024-12-12. Review status: criteria provided, single submitter. Criteria: GeneDx Variant Classification Process June 2021. Collection method: clinical testing. Allele origin: germline. Affected: yes.
Comment: In-frame deletion of 1 amino acid in a non-repeat region; Published functional studies demonstrate a damaging effect: absent kinase activity, reduced protein expression and stability, and reduced activation in response to DNA damage (PMID: 16982735, 22114986, 36468172); Observed in several individuals with personal and family history consistent with pathogenic variants in this gene referred for genetic testing at GeneDx and in published literature (PMID: 12442270, 22114986, 26898890, 26845104, 30633282, 34326862, 34299313); In silico analysis supports a deleterious effect on protein structure/function; Not observed at significant frequency in large population cohorts (gnomAD); This variant is associated with the following publications: (PMID: 26845104, 26898890, 31398194, 16982735, 22114986, 12442270, 26681312, 19338683, 27498913, 27621404, 28135136, 28301460, 29922827, 23242139, 12454775, 30633282, 29520813, 30322717, 32805687, 32923877, 36139606, 35441217, 19782031, 22419737, 36468172, 34299313, Natalia[article]2023, 31341520, 34326862, Gebbia2024[PrePrint])

German Consortium for Hereditary Breast and Ovarian Cancer, University Hospital Cologne
Classification: Likely pathogenic for Hereditary breast ovarian cancer syndrome. Last evaluated: 2024-11-11. Review status: criteria provided, single submitter. Criteria: ACMG Guidelines, 2015. Collection method: curation. Allele origin: germline.
Comment: According to the ACMG SVI adaptation criteria we chose these criteria: PS3 (strong pathogenic): Sodha (2006, PMID: 6982735): reduced phosphorylation after DNA damage Desrichard (2011, PMID: 22114986): no kinase activity Wagener (2023, PMID: 36468172): low expression & only slight induction of CHK2-Thr68 phosphorylation upon irradiation + structural modeling from Hines (2019, PMID: 30633282) & Cai (2009, PMID: 19782031) indicate deleterious function, PM4 (medium pathogenic): in-frame in non-repeat region

Molecular Pathology, Peter Maccallum Cancer Centre
Classification: Uncertain significance for Familial cancer of breast. Last evaluated: 2024-05-20. Review status: criteria provided, single submitter. Criteria: ACMG Guidelines, 2015. Collection method: clinical testing. Allele origin: germline. Inheritance: Autosomal dominant inheritance.

Baylor Genetics
Classification: Likely pathogenic for Familial cancer of breast. Last evaluated: 2024-01-17. Review status: criteria provided, single submitter. Criteria: ACMG Guidelines, 2015. Collection method: clinical testing. Allele origin: unknown.

Institute of Human Genetics, University of Leipzig Medical Center
Classification: Likely pathogenic for Familial cancer of breast. Last evaluated: 2023-08-17. Review status: criteria provided, single submitter. Criteria: ACMG Guidelines, 2015. Collection method: clinical testing. Allele origin: unknown. Inheritance: Autosomal dominant inheritance. Affected: yes.
Comment: Criteria applied: PS3,PS4_MOD,PM1_SUP,PM2_SUP,PM4_SUP

Department of Pathology and Laboratory Medicine, Sinai Health System
Classification: Likely pathogenic for CHEK2-related cancer predisposition. Last evaluated: 2022-12-08. Review status: criteria provided, single submitter. Criteria: ACMG Guidelines, 2015. Collection method: clinical testing. Allele origin: germline. Affected: yes.

Institute for Genomic Medicine (IGM) Clinical Laboratory, Nationwide Children's Hospital
Classification: Pathogenic for CHEK2-related cancer predisposition. Last evaluated: 2022-06-15. Review status: criteria provided, single submitter. Criteria: ACMG Guidelines, 2015. Collection method: clinical testing. Allele origin: germline.
Comment: Well-established functional studies have demonstrated this variant to have a damaging effect on protein function or splicing (ACMG/AMP: PS3; PMIDs:16982735, 22114986). This variant has been reported at an elevated frequency in affected individuals/in multiple affected individuals in the literature (ACMG/AMP: PS4; PMIDs:32923877, 31341520, 26681312, 29922827, 26845104, 29520813, 30322717, 12442270, 26898890). This variant is predicted to result in an in-frame insertion or deletion in a non-repetitive region (ACMG/AMP: PM4).

Institute of Human Genetics, Heidelberg University
Classification: Likely pathogenic for Familial cancer of breast. Last evaluated: 2022-01-19. Review status: criteria provided, single submitter. Criteria: ACMG Guidelines, 2015. Collection method: clinical testing. Allele origin: maternal.

MGZ Medical Genetics Center
Classification: Uncertain significance for Familial cancer of breast. Last evaluated: 2022-01-19. Review status: criteria provided, single submitter. Criteria: ACMG Guidelines, 2015. Collection method: clinical testing. Allele origin: germline. Affected: yes. Observed: 1 variant allele.
Comment: ACMG criteria applied: PS4_MOD, PS3_SUP, PM2_SUP, PM4_SUP

Sema4
Classification: Likely pathogenic for Hereditary cancer-predisposing syndrome. Last evaluated: 2021-12-23. Review status: criteria provided, single submitter. Criteria: Sema4 Curation Guidelines. Collection method: curation. Allele origin: germline.
Comment: The CHEK2 c.483_485del (p.E161del) variant has been reported in heterozygosity in at least five individuals with hereditary breast and/or ovarian cancer (PMID: 12442270, 26681312, 30633282, 32923877, 26845104). This variant results in a deletion of conserved amino acid without altering the integrity of the reading frame. Functional studies have shown that this variant reduces CHEK2 stability, DNA damage-induced phosphorylation, and kinase activity comparable to known pathogenic CHEK2 variants (PMID: 16982735, 30633282). This variant was observed in 1/24966 chromosomes in the African/African American subpopulation in the Genome Aggregation Database (PMID: 32461654). This variant has been reported in ClinVar (Variation ID: 141783). Based on the current evidence available, this variant is interpreted as likely pathogenic.

Greenwood Genetic Center Diagnostic Laboratories, Greenwood Genetic Center
Classification: Likely pathogenic. Last evaluated: 2020-08-11. Review status: criteria provided, single submitter. Criteria: ACMG Guidelines, 2015. Collection method: clinical testing. Allele origin: germline.

Division of Medical Genetics, University of Washington
Classification: Likely pathogenic for Familial cancer of breast. Last evaluated: 2020-02-25. Review status: criteria provided, single submitter. Criteria: ACMG Guidelines, 2015. Collection method: clinical testing. Allele origin: germline. Affected: no. Study: CSER_CHARM.
Comment: This variant has been reported in individuals and families with breast cancer (Caminsky 2016, Desrichard 2011, Shirts 2016, Sodha 2002), and functional studies have demonstrated that this variant decreases protein expression and reduces activation and kinase activity (Desrichard 2011, Sodha 2006). This variant has been observed 5 times in the gnomAD database and has an overall allele frequency of 0.00001768. In addition, multiple in silico tools predict a damaging effect on protein structure and function. Based on this information, we consider this variant to be likely pathogenic. PS4-moderate; PP3

University of Washington Department of Laboratory Medicine, University of Washington
Classification: Likely pathogenic for Breast and colorectal cancer, susceptibility to. Last evaluated: 2015-11-20. Review status: criteria provided, single submitter. Criteria: Shirts et al. (Genet Med 2016). Collection method: clinical testing. Allele origin: germline. Affected: yes. Observed: 1 variant allele.

Counsyl
Classification: Uncertain significance for Familial cancer of breast. Last evaluated: 2016-08-23. Review status: no assertion criteria provided. Collection method: clinical testing. Allele origin: unknown. Not counted in ClinVar's aggregate classification.

Dr. Peter K. Rogan Lab, Western University
Classification: Likely pathogenic for Hereditary breast ovarian cancer syndrome. Last evaluated: 2015-12-22. Review status: no assertion criteria provided. Collection method: research. Allele origin: unknown. Affected: yes. Observed: 1 variant allele. Study: Caminsky_2016. Not counted in ClinVar's aggregate classification.

Literature cited by the submitters: PubMed 23242139 (cited by Women's Health and Genetics/Laboratory Corporation of America, LabCorp); PubMed 19338683 (cited by Women's Health and Genetics/Laboratory Corporation of America, LabCorp); PubMed 26681312 (cited by 7 submitters); PubMed 16982735 (cited by 10 submitters); PubMed 26845104 (cited by 9 submitters); PubMed 26898890 (cited by 7 submitters); PubMed 22114986 (cited by 9 submitters); PubMed 27621404 (cited by Women's Health and Genetics/Laboratory Corporation of America, LabCorp); PubMed 28301460 (cited by Women's Health and Genetics/Laboratory Corporation of America, LabCorp); PubMed 29922827 (cited by 4 submitters); PubMed 30322717 (cited by 4 submitters); PubMed 31398194 (cited by Women's Health and Genetics/Laboratory Corporation of America, LabCorp); PubMed 31341520 (cited by 4 submitters); PubMed 29520813 (cited by 6 submitters); PubMed 30633282 (cited by 6 submitters); PubMed 15488637 (cited by Women's Health and Genetics/Laboratory Corporation of America, LabCorp); PubMed 12442270 (cited by 7 submitters); PubMed 32923877 (cited by 5 submitters); PubMed 19782031 (cited by Ambry Genetics); PubMed 34299313 (cited by 3 submitters); PubMed 36468172 (cited by Color Diagnostics, LLC DBA Color Health and Quest Diagnostics Nichols Institute San Juan Capistrano); PubMed 25085752 (cited by Myriad Genetics, Inc.); PubMed 34326862 (cited by Quest Diagnostics Nichols Institute San Juan Capistrano).